The following is an entry in ClinVar:

ClinVar aggregate classification (germline): Likely pathogenic. Review status: criteria provided, multiple submitters, no conflicts (2 of 4 stars). 2 submissions from 2 submitters: Likely pathogenic (2). Last evaluated 2025-02-10.

Conditions:
Sanfilippo syndrome. Also called: Mucopolysaccharidosis type 3; Sanfilippo disease; Mucopolysaccharidosis Type III. Identifiers: Orphanet 581, MedGen C0026706, MONDO:0018937.
Mucopolysaccharidosis, MPS-III-D (MPS3D). Also called: MPS IIID (Sanfilippo Syndrome Type D); N-ACETYLGLUCOSAMINE-6-SULFATASE DEFICIENCY; MUCOPOLYSACCHARIDOSIS, TYPE IIID; SANFILIPPO SYNDROME D; MPS III D; Mucopoly-saccharidosis type 3D. Identifiers: Orphanet 581, Orphanet 79272, MedGen C0086650, MONDO:0009658, OMIM 252940.

Submissions (2):

Natera, Inc.
Classification: Likely pathogenic for Sanfilippo disease. Last evaluated: 2025-02-10. Review status: criteria provided, single submitter. Criteria: Natera Variant Classification Schema (03/2026). Collection method: clinical testing. Allele origin: germline.
Comment: The c.625-2A>G variant in GNS is a canonical splice acceptor site variant predicted to affect pre-mRNA splicing, which may result in an abnormal transcript and altered protein product. This variant is expected to result in nonsense mediated decay, truncation, or a dysfunctional protein product. This variant is rare in the general population with a frequency below the threshold expected for the associated phenotype(s). Given the available evidence, this variant is classified as Likely Pathogenic.

Labcorp Genetics (formerly Invitae), Labcorp
Classification: Likely pathogenic for Mucopolysaccharidosis, MPS-III-D. Last evaluated: 2024-11-26. Review status: criteria provided, single submitter. Criteria: Invitae Variant Classification Sherloc (09022015). Collection method: clinical testing. Allele origin: germline.
Comment: This sequence change affects an acceptor splice site in intron 5 of the GNS gene. It is expected to disrupt RNA splicing. Variants that disrupt the donor or acceptor splice site typically lead to a loss of protein function (PMID: 16199547), and loss-of-function variants in GNS are known to be pathogenic (PMID: 20232353). This variant is not present in population databases (gnomAD no frequency). This variant has not been reported in the literature in individuals affected with GNS-related conditions. ClinVar contains an entry for this variant (Variation ID: 1066296). Algorithms developed to predict the effect of sequence changes on RNA splicing suggest that this variant may disrupt the consensus splice site. In summary, the currently available evidence indicates that the variant is pathogenic, but additional data are needed to prove that conclusively. Therefore, this variant has been classified as Likely Pathogenic.

Literature cited by the submitters: PubMed 16199547 (cited by Labcorp Genetics (formerly Invitae), Labcorp); PubMed 20232353 (cited by Labcorp Genetics (formerly Invitae), Labcorp).

NM_002076.4(GNS):c.625-2A>G

Gene: GNS (glucosamine (N-acetyl)-6-sulfatase; minus strand). Cytogenetic location: 12q14.3.
Variant type: single nucleotide variant.
Coding change: c.625-2A>G on transcript NM_002076.4 (MANE Select); the canonical splice acceptor site of the intron before coding-DNA position 625, A replaced by G.
Molecular consequence: splice acceptor variant.
Genome position (GRCh38, 1-based): chr12:64,743,310, T>C on the plus strand (A>G on the coding strand, the complement: GNS is on the minus strand). VCF-style: chr12-64743310-T-C. GRCh37 (hg19) VCF-style: chr12-65137090-T-C.
Other names: c.625-2A>G (NM_002076.3).
Identifiers: ClinVar variation 1066296 (VCV001066296.9), dbSNP rs2136247666, ClinGen allele CA385609402.
Genomic context (GRCh38, chr12:64,743,310, plus strand): 5'-ATCATGAAGAAGGGCTCAAAGTTGGACTTGTAGTCCAGAAAGTCCAAGGAGACATTAGCC[T>C]GACACATAAAAAGATTTGTCATCTCCTACCTTACCCAACAGATGAGTATTTAATAGATAA-3'